The following is an entry in ClinVar:

NM_001142966.3(GREB1L):c.3148T>A (p.Ser1050Thr)

Gene: GREB1L (GREB1 like retinoic acid receptor coactivator; plus strand). Cytogenetic location: 18q11.1.
Variant type: single nucleotide variant.
Coding change: c.3148T>A on transcript NM_001142966.3 (MANE Select); coding-DNA position 3148, T replaced by A.
Protein change: p.Ser1050Thr; replaces serine 1050 with threonine.
Molecular consequence: missense variant.
Genome position (GRCh38, 1-based): chr18:21,496,455, T>A. VCF-style: chr18-21496455-T-A. GRCh37 (hg19) VCF-style: chr18-19076416-T-A.
Other names: c.3277T>A, p.Ser1093Thr (NM_001410867.1); c.2821T>A, p.Ser941Thr (NM_001410868.1); short protein forms S941T, S1050T, S1093T.
Identifiers: ClinVar variation 4692144 (VCV004692144.1).

ClinVar aggregate classification (germline): Uncertain significance (1 of 4 stars; one submission).

gnomAD v4.1: 16 of 1,551,520 alleles (0.001%); highest among the groups gnomAD compares: South Asian, 0.012%; no homozygotes.

Submission:

Labcorp Genetics (formerly Invitae), Labcorp
Classification: Uncertain significance. Last evaluated: 2025-07-30. Review status: criteria provided, single submitter. Criteria: Invitae Variant Classification Sherloc (09022015). Collection method: clinical testing. Allele origin: germline.
Comment: This sequence change replaces serine, which is neutral and polar, with threonine, which is neutral and polar, at codon 1050 of the GREB1L protein (p.Ser1050Thr). This variant is present in population databases (no rsID available, gnomAD 0.004%). This variant has not been reported in the literature in individuals affected with GREB1L-related conditions. An algorithm developed to predict the effect of missense changes on protein structure and function (PolyPhen-2) suggests that this variant is likely to be disruptive. In summary, the available evidence is currently insufficient to determine the role of this variant in disease. Therefore, it has been classified as a Variant of Uncertain Significance.